The following is an entry in ClinVar:

NM_001458.5(FLNC):c.4127+5C>A

Gene: FLNC (filamin C; plus strand). Cytogenetic location: 7q32.1.
Variant type: single nucleotide variant.
Coding change: c.4127+5C>A on transcript NM_001458.5 (MANE Select); 5 bases into the intron after coding-DNA position 4127, C replaced by A.
Molecular consequence: intron variant.
Genome position (GRCh38, 1-based): chr7:128,846,468, C>A. VCF-style: chr7-128846468-C-A. GRCh37 (hg19) VCF-style: chr7-128486522-C-A.
Other names: c.4127+5C>A (NM_001127487.2).
Identifiers: ClinVar variation 2952773 (VCV002952773.3), dbSNP rs2128936919, ClinGen allele CA2740094854.

ClinVar aggregate classification (germline): Uncertain significance (1 of 4 stars; one submission).

Conditions:
Hypertrophic cardiomyopathy 26. Also called: Cardiomyopathy, familial hypertrophic, 26. Identifiers: Orphanet 75249, MedGen C4310749, MONDO:0014883, OMIM 617047.
Myofibrillar myopathy 5. Also called: Filaminopathy (type); FILAMINOPATHY, AUTOSOMAL DOMINANT. Identifiers: Orphanet 171445, MedGen C1836050, MONDO:0012289, OMIM 609524.
Distal myopathy with posterior leg and anterior hand involvement. Also called: WILLIAMS DISTAL MYOPATHY. Identifiers: Orphanet 63273, MedGen C3279722, MONDO:0013550, OMIM 614065.

Submission:

Labcorp Genetics (formerly Invitae), Labcorp
Classification: Uncertain significance for Distal myopathy with posterior leg and anterior hand involvement; Myofibrillar myopathy 5; Hypertrophic cardiomyopathy 26. Last evaluated: 2023-10-11. Review status: criteria provided, single submitter. Criteria: Invitae Variant Classification Sherloc (09022015). Collection method: clinical testing. Allele origin: germline.
Comment: This sequence change falls in intron 23 of the FLNC gene. It does not directly change the encoded amino acid sequence of the FLNC protein. It affects a nucleotide within the consensus splice site. This variant is not present in population databases (gnomAD no frequency). This variant has not been reported in the literature in individuals affected with FLNC-related conditions. Variants that disrupt the consensus splice site are a relatively common cause of aberrant splicing (PMID: 17576681, 9536098). Algorithms developed to predict the effect of sequence changes on RNA splicing suggest that this variant is not likely to affect RNA splicing. In summary, the available evidence is currently insufficient to determine the role of this variant in disease. Therefore, it has been classified as a Variant of Uncertain Significance.

Literature cited by the submitters: PubMed 17576681; PubMed 9536098.